The following is an entry in ClinVar:

ClinVar aggregate classification (germline): Uncertain significance (1 of 4 stars; one submission).

Conditions:
Hereditary cancer-predisposing syndrome. Also called: Neoplastic Syndromes, Hereditary; Tumor predisposition; Hereditary neoplastic syndrome; Hereditary Cancer Syndrome. Identifiers: Orphanet 140162, MedGen C0027672, MeSH D009386, MONDO:0015356.

Submission:

Ambry Genetics
Classification: Uncertain significance for Hereditary cancer-predisposing syndrome. Last evaluated: 2026-06-22. Review status: criteria provided, single submitter. Criteria: Ambry Variant Classification Scheme 2023. Collection method: clinical testing. Allele origin: germline.
Comment: The p.D90E variant (also known as c.270C>A), located in coding exon 3 of the POLE gene, results from a C to A substitution at nucleotide position 270. The aspartic acid at codon 90 is replaced by glutamic acid, an amino acid with highly similar properties. This amino acid position is conserved. In addition, this alteration is predicted to be tolerated by in silico analysis. Based on the available evidence, the clinical significance of this variant remains unclear.

NM_006231.4(POLE):c.270C>A (p.Asp90Glu)

Gene: POLE (DNA polymerase epsilon, catalytic subunit; minus strand). Cytogenetic location: 12q24.33.
Variant type: single nucleotide variant.
Coding change: c.270C>A on transcript NM_006231.4 (MANE Select); coding-DNA position 270, C replaced by A.
Protein change: p.Asp90Glu; replaces aspartic acid 90 with glutamic acid.
Molecular consequence: missense variant.
Genome position (GRCh38, 1-based): chr12:132,680,622, G>T on the plus strand (C>A on the coding strand, the complement: POLE is on the minus strand). VCF-style: chr12-132680622-G-T. GRCh37 (hg19) VCF-style: chr12-133257208-G-T.
Other names: short protein forms D90E.
Identifiers: ClinVar variation 5027049 (VCV005027049.1).